The following is an entry in ClinVar:

NM_144991.3(TSPEAR):c.571del (p.Leu191fs)

Gene: TSPEAR (thrombospondin type laminin G domain and EAR repeats; minus strand). Cytogenetic location: 21q22.3.
Variant type: Deletion.
Coding change: c.571del on transcript NM_144991.3 (MANE Select); coding-DNA position 571, one base deleted (C; older notation c.571delC).
Protein change: p.Leu191fs; shifts the reading frame from leucine 191.
Molecular consequence: frameshift variant.
Genome position (GRCh38, 1-based): chr21:44,531,105, G deleted on the plus strand (C on the coding strand, the reverse complement: TSPEAR is on the minus strand); the first of 3 consecutive G bases (chr21:44,531,105-44,531,107); deleting any one gives the same sequence. VCF-style (leftmost placement, unchanged base first): chr21-44531104-AG-A. GRCh37 (hg19) VCF-style: chr21-45950987-AG-A.
Other names: c.367del, p.Leu123fs (NM_001272037.2); short protein forms L123fs, L191fs.
Identifiers: ClinVar variation 3608341 (VCV003608341.3).

ClinVar aggregate classification (germline): Pathogenic/Likely pathogenic. Review status: criteria provided, multiple submitters, no conflicts (2 of 4 stars). 2 submissions from 2 submitters: Pathogenic (1); Likely pathogenic (1). Last evaluated 2025-12-09.

Conditions:
TSPEAR-related disorder. Also called: TSPEAR-related condition.

Submissions (2):

Labcorp Genetics (formerly Invitae), Labcorp
Classification: Pathogenic. Last evaluated: 2025-12-09. Review status: criteria provided, single submitter. Criteria: Invitae Variant Classification Sherloc (09022015). Collection method: clinical testing. Allele origin: germline.
Comment: This sequence change creates a premature translational stop signal (p.Leu191Cysfs*3) in the TSPEAR gene. It is expected to result in an absent or disrupted protein product. Loss-of-function variants in TSPEAR are known to be pathogenic (PMID: 34042254). This variant is present in population databases (no rsID available, gnomAD 0.0009%). This variant has not been reported in the literature in individuals affected with TSPEAR-related conditions. ClinVar contains an entry for this variant (Variation ID: 3608341). For these reasons, this variant has been classified as Pathogenic.

Blueprint Genetics
Classification: Likely pathogenic for TSPEAR-related disorders. Last evaluated: 2022-08-16. Review status: criteria provided, single submitter. Criteria: ACMG Guidelines, 2015. Collection method: clinical testing. Allele origin: germline. Affected: yes. Observed: 2 variant alleles.

Literature cited by the submitters: PubMed 34042254 (cited by Labcorp Genetics (formerly Invitae), Labcorp).